The following is an entry in ClinVar:

ClinVar aggregate classification (germline): Likely pathogenic (1 of 4 stars; one submission).

Conditions:
Osteoporosis with pseudoglioma (OPPG). Also called: osteoporosis-pseudoglioma syndrome. Identifiers: Orphanet 2788, MedGen C0432252, MONDO:0009820, OMIM 259770.

gnomAD v4.1: 2 of 1,611,656 alleles (0.00012%); highest among the groups gnomAD compares: Admixed American, 0.0033%; no homozygotes.

Submission:

Centro Nacional de Genética Medica, Administración Nacional de Laboratorios e Institutos de Salud (ANLIS) “Dr. Carlos G Malbrán”
Classification: Likely pathogenic for Osteoporosis with pseudoglioma. Last evaluated: 2025-06-10. Review status: criteria provided, single submitter. Criteria: ACMG Guidelines, 2015. Collection method: clinical testing. Allele origin: germline. Affected: yes. Observed: 1 variant allele.
Comment: This variant corresponds to a missense mutation in the coding sequence of exon 11/23 of the LRP5 gene, resulting in the replacement of the tyrosine amino acid at position 776 (uncharged and polar with a p-hydroxybenzyl group in its side chain) with a serine amino acid (uncharged and polar but without a hydroxybenzyl group), (p.Tyr776Ser; p.Y776S). This variant is located on the LDL receptor class B 13 domain (Receptor_Ldlb), a conserved domain spanning amino acids 773 to 813 (PFam: PF00058). This domain is also known as the YWTD/E motif due to the amino acids present (Tyrosine-Tryptophan-Threonine-Aspartic/Glutamic) in the most conserved region within the domain. This motif is found in multiple repeats with a beta-sheet structure along this gene. Specifically, the variant found in the patient is located in one of these motifs. Missense variants have been reported as likely pathogenic in this domain and associated with the "Osteoporosis-Pseudoglioma Syndrome" phenotype (Variation ID: 2579717) (PM1). The variant found is present at a very low frequency (Allele frequency: 0.000001241) in population databases such as GnomAD, ExAc, and 1000 Genomes (PM2_Supporting). Most bioinformatics predictors (such as AlphaMissense, Revel, and BayesDel, among others) classify the variant as deleterious (PP3). The patient's phenotype is highly concordant with Osteoporosis-Pseudoglioma Syndrome (OPPG), also called “Osteogenesis Imperfecta, Ocular Form,” and the LRP5 gene is closely related to the described pathology (PP4) (PMID: 38625381;27228167)

Literature cited by the submitters: PubMed 38625381; PubMed 27228167.

NM_002335.4(LRP5):c.2327A>C (p.Tyr776Ser)

Gene: LRP5 (LDL receptor related protein 5; plus strand). Cytogenetic location: 11q13.2.
Variant type: single nucleotide variant.
Coding change: c.2327A>C on transcript NM_002335.4 (MANE Select); coding-DNA position 2327, A replaced by C.
Protein change: p.Tyr776Ser; replaces tyrosine 776 with serine.
Molecular consequence: missense variant.
Genome position (GRCh38, 1-based): chr11:68,411,444, A>C. VCF-style: chr11-68411444-A-C. GRCh37 (hg19) VCF-style: chr11-68178912-A-C.
Other names: c.584A>C, p.Tyr195Ser (NM_001291902.2); short protein forms Y195S, Y776S.
Identifiers: ClinVar variation 4871705 (VCV004871705.1).